The following is an entry in ClinVar:

NM_001267550.2(TTN):c.101692C>T (p.Leu33898Phe)

Genes: TTN-AS1 (TTN antisense RNA 1; plus strand), TTN (titin; minus strand). Cytogenetic location: 2q31.2.
Variant type: single nucleotide variant.
Coding change: c.101692C>T on transcript NM_001267550.2 (MANE Select); coding-DNA position 101692, C replaced by T.
Protein change: p.Leu33898Phe; replaces leucine 33898 with phenylalanine.
Molecular consequence: missense variant.
Genome position (GRCh38, 1-based): chr2:178,534,923, G>A on the plus strand (C>T on the coding strand, the complement: TTN is on the minus strand). VCF-style: chr2-178534923-G-A. GRCh37 (hg19) VCF-style: chr2-179399650-G-A.
Other names: c.96769C>T, p.Leu32257Phe (NM_001256850.1); c.74497C>T, p.Leu24833Phe (NM_003319.4); c.93988C>T, p.Leu31330Phe (NM_133378.4); c.74872C>T, p.Leu24958Phe (NM_133432.3); c.75073C>T, p.Leu25025Phe (NM_133437.4); short protein forms L32257F, L33898F, L24958F, L25025F, L24833F, L31330F.
Identifiers: ClinVar variation 514862 (VCV000514862.8), dbSNP rs371930491, ClinGen allele CA60959765.

ClinVar aggregate classification (germline): Conflicting classifications of pathogenicity. Review status: criteria provided, conflicting classifications (1 of 4 stars). 2 submissions from 2 submitters: Uncertain significance (1); Likely benign (1). Last evaluated 2025-12-01.

Conditions:
Autosomal recessive limb-girdle muscular dystrophy type 2J (LGMDR10). Also called: MUSCULAR DYSTROPHY, LIMB-GIRDLE, AUTOSOMAL RECESSIVE 10; Limb-girdle muscular dystrophy, type 2J. Identifiers: Orphanet 140922, MedGen C1837342, MONDO:0012127, OMIM 608807.
Dilated cardiomyopathy 1G (CMD1G). Identifiers: Orphanet 154, MedGen C1858763, MONDO:0011400, OMIM 604145.

Allele frequency attached by ClinVar (database versions not stated): gnomAD exomes below 0.00001; TOPMed below 0.00001; ESP Exome Variant Server 0.00008.
gnomAD v4.1: 4 of 1,611,114 alleles (0.00025%); highest among the groups gnomAD compares: East Asian, 0.0022%; no homozygotes.

Submissions (2):

Labcorp Genetics (formerly Invitae), Labcorp
Classification: Uncertain significance for Dilated cardiomyopathy 1G; Autosomal recessive limb-girdle muscular dystrophy type 2J. Last evaluated: 2025-12-01. Review status: criteria provided, single submitter. Criteria: Invitae Variant Classification Sherloc (09022015). Collection method: clinical testing. Allele origin: germline.
Comment: This sequence change replaces leucine, which is neutral and non-polar, with phenylalanine, which is neutral and non-polar, at codon 33898 of the TTN protein (p.Leu33898Phe). This variant is not present in population databases (gnomAD no frequency). This variant has not been reported in the literature in individuals affected with TTN-related conditions. ClinVar contains an entry for this variant (Variation ID: 514862). Experimental studies and prediction algorithms are not available or were not evaluated, and the functional significance of this variant is currently unknown. This variant is located in the M band of TTN (PMID: 25589632). Non-truncating variants in this region may be relevant for neuromuscular disorders, but have not been definitively shown to cause cardiomyopathy (PMID: 23975875). In summary, the available evidence is currently insufficient to determine the role of this variant in disease. Therefore, it has been classified as a Variant of Uncertain Significance.

GeneDx
Classification: Likely benign. Last evaluated: 2018-01-09. Review status: criteria provided, single submitter. Criteria: GeneDx Variant Classification (06012015). Collection method: clinical testing. Allele origin: germline. Affected: yes.
Comment: This variant is considered likely benign or benign based on one or more of the following criteria: it is a conservative change, it occurs at a poorly conserved position in the protein, it is predicted to be benign by multiple in silico algorithms, and/or has population frequency not consistent with disease.

Literature cited by the submitters: PubMed 25589632 (cited by Labcorp Genetics (formerly Invitae), Labcorp); PubMed 23975875 (cited by Labcorp Genetics (formerly Invitae), Labcorp).